The following is an entry in ClinVar:

NM_000038.6(APC):c.1957A>C (p.Arg653=)

Gene: APC (APC regulator of Wnt signaling pathway; plus strand). Cytogenetic location: 5q22.2.
Variant type: single nucleotide variant.
Coding change: c.1957A>C on transcript NM_000038.6 (MANE Select); coding-DNA position 1957, A replaced by C.
Protein change: p.Arg653=; no amino-acid change (arginine 653 retained).
Molecular consequence: synonymous variant.
Genome position (GRCh38, 1-based): chr5:112,835,164, A>C. VCF-style: chr5-112835164-A-C. GRCh37 (hg19) VCF-style: chr5-112170861-A-C.
Other names: c.1957A>C, p.Arg653= (NM_001127510.3, NM_001354895.2); c.1903A>C, p.Arg635= (NM_001127511.3); c.2011A>C, p.Arg671= (NM_001354896.2); c.1987A>C, p.Arg663= (NM_001354897.2); c.1882A>C, p.Arg628= (NM_001354898.2); c.1873A>C, p.Arg625= (NM_001354899.2); c.1834A>C, p.Arg612= (NM_001354900.2); c.1780A>C, p.Arg594= (NM_001354901.2); and 5 more.
Identifiers: ClinVar variation 482311 (VCV000482311.7), dbSNP rs1114167580, ClinGen allele CA445758951.
Genomic context (GRCh38, chr5:112,835,164, plus strand): 5'-GAAAGTGGAGGTGGGATATTACGGAATGTGTCCAGCTTGATAGCTACAAATGAGGACCAC[A>C]GGTATATATAGAGTTTTATATTACTTTTAAAGTACAGAATTCATACTCTCAAAAAGACCT-3'
Protein context (NP_000029.2, residues 643-663): SSLIATNEDH[Arg653=]QILRENNCLQ

ClinVar aggregate classification (germline): Pathogenic. Review status: criteria provided, multiple submitters, no conflicts (2 of 4 stars). 2 submissions from 2 submitters: Pathogenic (2). Last evaluated 2023-05-03.

Conditions:
Hereditary cancer-predisposing syndrome. Also called: Neoplastic Syndromes, Hereditary; Tumor predisposition; Hereditary Cancer Syndrome; Hereditary neoplastic syndrome. Identifiers: Orphanet 140162, MedGen C0027672, MeSH D009386, MONDO:0015356.
Familial adenomatous polyposis 1 (FAP1). Also called: FAMILIAL ADENOMATOUS POLYPOSIS 1, ATTENUATED; POLYPOSIS, ADENOMATOUS INTESTINAL. Identifiers: MedGen C2713442, MONDO:0021056, OMIM 175100. Disease mechanism: loss of function.

Submissions (2):

Myriad Genetics, Inc.
Classification: Pathogenic for Familial adenomatous polyposis 1. Last evaluated: 2023-05-03. Review status: criteria provided, single submitter. Criteria: Myriad Autosomal Dominant, Autosomal Recessive and X-Linked Classification Criteria (2023). Collection method: clinical testing. Allele origin: unknown.
Comment: This variant is considered pathogenic. mRNA analysis has demonstrated abnormal mRNA splicing occurs [PMID: 15459959].

Ambry Genetics
Classification: Pathogenic for Hereditary cancer-predisposing syndrome. Last evaluated: 2016-02-27. Review status: criteria provided, single submitter. Criteria: Ambry Variant Classification Scheme 2023. Collection method: clinical testing. Allele origin: germline.
Comment: The c.1957A>C pathogenic mutation (also known as p.R653R), located in coding exon 14, results from an A to C substitution at nucleotide position 1957 of the APC gene. This nucleotide substitution does not change the arginine at codon 653. However, this change occurs two base pairs from the end of coding exon 14. This alteration has been in several unrelated familial adenomatous polyposis (FAP) families (Aretz S, et al. Hum. Mutat. 2004 Nov; 24(5):370-80; Friedl W, et al. Hered Cancer Clin Pract 2005 ; 3(3):95-114; Ambry Internal Data). Analysis of mRNA has demonstrated that this alteration causes aberrant splicing resulting in exon 14 skipping (Aretz S, Hum. Mutat. 2004 Nov; 24(5):370-80). In addition, different nucleotide substitution at the same position (c.1957A>G) has also been identified in individuals with FAP and shown to result in similar exon 14 skipping. Based on the available evidence, c.1957A>C is classified as a pathogenic mutation.

Literature cited by the submitters: PubMed 15459959 (cited by Myriad Genetics, Inc. and Ambry Genetics); PubMed 20223039 (cited by Ambry Genetics).